The following is an entry in ClinVar:

ClinVar aggregate classification (germline): Uncertain significance (1 of 4 stars; one submission).

Conditions:
Walker-Warburg congenital muscular dystrophy. Also called: Muscular dystrophy-dystroglycanopathy, type A; Walker-Warburg syndrome. Identifiers: Orphanet 899, MedGen C0265221, MONDO:0000171.

Allele frequency attached by ClinVar (database versions not stated): gnomAD exomes below 0.00001; ExAC 0.00001.
gnomAD v4.1: 1 of 1,614,116 alleles (0.000062%); highest among the groups gnomAD compares: East Asian, 0.0022%; no homozygotes.

Submission:

Labcorp Genetics (formerly Invitae), Labcorp
Classification: Uncertain significance for Walker-Warburg congenital muscular dystrophy. Last evaluated: 2025-08-21. Review status: criteria provided, single submitter. Criteria: Invitae Variant Classification Sherloc (09022015). Collection method: clinical testing. Allele origin: germline.
Comment: This sequence change replaces phenylalanine, which is neutral and non-polar, with leucine, which is neutral and non-polar, at codon 394 of the FKTN protein (p.Phe394Leu). This variant is present in population databases (rs757023910, gnomAD 0.006%). This variant has not been reported in the literature in individuals affected with FKTN-related conditions. ClinVar contains an entry for this variant (Variation ID: 2695722). Invitae Evidence Modeling of protein sequence and biophysical properties (such as structural, functional, and spatial information, amino acid conservation, physicochemical variation, residue mobility, and thermodynamic stability) has been performed for this missense variant. However, the output from this modeling did not meet the statistical confidence thresholds required to predict the impact of this variant on FKTN protein function. In summary, the available evidence is currently insufficient to determine the role of this variant in disease. Therefore, it has been classified as a Variant of Uncertain Significance.

NM_001079802.2(FKTN):c.1182T>G (p.Phe394Leu)

Gene: FKTN (fukutin; plus strand). Cytogenetic location: 9q31.2.
Variant type: single nucleotide variant.
Coding change: c.1182T>G on transcript NM_001079802.2 (MANE Select); coding-DNA position 1182, T replaced by G.
Protein change: p.Phe394Leu; replaces phenylalanine 394 with leucine.
Molecular consequence: missense variant. On other transcripts: non-coding transcript variant (2).
Genome position (GRCh38, 1-based): chr9:105,635,060, T>G. VCF-style: chr9-105635060-T-G. GRCh37 (hg19) VCF-style: chr9-108397341-T-G.
Other names: c.1182T>G, p.Phe394Leu (NM_001198963.2, NM_001351496.2, NM_006731.2); c.1113T>G, p.Phe371Leu (NM_001351497.2); c.1213T>G, p.Ser405Ala (NM_001351498.2); c.786T>G, p.Phe262Leu (NM_001351499.2, NM_001351500.2, NM_001351501.2 and 1 more transcripts); short protein forms F371L, F394L, F262L, S405A.
Identifiers: ClinVar variation 2695722 (VCV002695722.3), dbSNP rs757023910, ClinGen allele CA5170591.
Genomic context (GRCh38, chr9:105,635,060, plus strand): 5'-TAGCTAGACCTTCTTCCACTGTTGAAGCCTAATCCCTCTGTTTTGCTGCAGATACCTGTT[T>G]CCGAAGTTTACACTGTGCTGGACTGAGTTTGTAGACATGAAGGTCCATGTACCCTGTGAA-3'
Protein context (NP_001073270.1, residues 384-404): AKTGKKFKYL[Phe394Leu]PKFTLCWTEF